The following is an entry in ClinVar:

ClinVar aggregate classification (germline): Conflicting classifications of pathogenicity. Review status: criteria provided, conflicting classifications (1 of 4 stars). 2 submissions from 2 submitters: Uncertain significance (1); Likely benign (1). Last evaluated 2025-08-26.

Allele frequency attached by ClinVar (database versions not stated): gnomAD 0.00002; gnomAD exomes 0.00001; TOPMed 0.00001.
gnomAD v4.1: 22 of 1,614,000 alleles (0.0014%); highest among the groups gnomAD compares: African/African-American, 0.004%; no homozygotes.

Submissions (2):

Labcorp Genetics (formerly Invitae), Labcorp
Classification: Uncertain significance. Last evaluated: 2025-08-26. Review status: criteria provided, single submitter. Criteria: Invitae Variant Classification Sherloc (09022015). Collection method: clinical testing. Allele origin: germline.
Comment: This sequence change replaces threonine, which is neutral and polar, with alanine, which is neutral and non-polar, at codon 632 of the NPAT protein (p.Thr632Ala). This variant is present in population databases (no rsID available, gnomAD 0.007%). This variant has not been reported in the literature in individuals affected with NPAT-related conditions. ClinVar contains an entry for this variant (Variation ID: 1782120). An algorithm developed to predict the effect of missense changes on protein structure and function outputs the following: PolyPhen-2: "Benign". The alanine amino acid residue is found in multiple mammalian species, which suggests that this missense change does not adversely affect protein function. In summary, the available evidence is currently insufficient to determine the role of this variant in disease. Therefore, it has been classified as a Variant of Uncertain Significance.

Ambry Genetics
Classification: Likely benign. Last evaluated: 2021-08-13. Review status: criteria provided, single submitter. Criteria: Ambry Variant Classification Scheme 2023. Collection method: clinical testing. Allele origin: germline.

NM_002519.3(NPAT):c.1894A>G (p.Thr632Ala)

Gene: NPAT (nuclear protein, coactivator of histone transcription; minus strand). Cytogenetic location: 11q22.3.
Variant type: single nucleotide variant.
Coding change: c.1894A>G on transcript NM_002519.3 (MANE Select); coding-DNA position 1894, A replaced by G.
Protein change: p.Thr632Ala; replaces threonine 632 with alanine.
Molecular consequence: missense variant.
Genome position (GRCh38, 1-based): chr11:108,173,090, T>C on the plus strand (A>G on the coding strand, the complement: NPAT is on the minus strand). VCF-style: chr11-108173090-T-C. GRCh37 (hg19) VCF-style: chr11-108043817-T-C.
Other names: c.1894A>G, p.Thr632Ala (NM_001321307.1); short protein forms T632A.
Identifiers: ClinVar variation 1782120 (VCV001782120.3), dbSNP rs1565311221, ClinGen allele CA382514129.